The following is an entry in ClinVar:

ClinVar aggregate classification (germline): Uncertain significance (1 of 4 stars; one submission).

Conditions:
Arrhythmogenic right ventricular dysplasia 11. Also called: Arrhythmogenic right ventricular dysplasia 11 with mild palmoplantar keratoderma and woolly hair; Arrhythmogenic Right Ventricular Dysplasia/Cardiomyopathy11; ARRHYTHMOGENIC RIGHT VENTRICULAR DYSPLASIA, FAMILIAL, 11. Identifiers: MedGen C1864850, MONDO:0012506, OMIM 610476.

Submission:

Labcorp Genetics (formerly Invitae), Labcorp
Classification: Uncertain significance for Arrhythmogenic right ventricular dysplasia 11. Last evaluated: 2021-06-12. Review status: criteria provided, single submitter. Criteria: Invitae Variant Classification Sherloc (09022015). Collection method: clinical testing. Allele origin: germline.
Comment: This variant has not been reported in the literature in individuals with DSC2-related conditions. This variant is not present in population databases (ExAC no frequency). This sequence change replaces alanine with proline at codon 133 of the DSC2 protein (p.Ala133Pro). The alanine residue is moderately conserved and there is a small physicochemical difference between alanine and proline. Algorithms developed to predict the effect of missense changes on protein structure and function (SIFT, PolyPhen-2, Align-GVGD) all suggest that this variant is likely to be tolerated, but these predictions have not been confirmed by published functional studies and their clinical significance is uncertain. In summary, the available evidence is currently insufficient to determine the role of this variant in disease. Therefore, it has been classified as a Variant of Uncertain Significance.

NM_024422.6(DSC2):c.397G>C (p.Ala133Pro)

Gene: DSC2 (desmocollin 2; minus strand). Cytogenetic location: 18q12.1.
Variant type: single nucleotide variant.
Coding change: c.397G>C on transcript NM_024422.6 (MANE Select); coding-DNA position 397, G replaced by C.
Protein change: p.Ala133Pro; replaces alanine 133 with proline.
Molecular consequence: missense variant.
Genome position (GRCh38, 1-based): chr18:31,091,105, C>G on the plus strand (G>C on the coding strand, the complement: DSC2 is on the minus strand). VCF-style: chr18-31091105-C-G. GRCh37 (hg19) VCF-style: chr18-28671068-C-G.
Other names: c.397G>C, p.Ala133Pro (NM_004949.5); short protein forms A133P.
Identifiers: ClinVar variation 1449286 (VCV001449286.8), dbSNP rs200218585, ClinGen allele CA402114370.